The following is an entry in ClinVar:

NM_006876.3(B4GAT1):c.192C>G (p.Arg64=)

Gene: B4GAT1 (beta-1,4-glucuronyltransferase 1; minus strand). Cytogenetic location: 11q13.2.
Variant type: single nucleotide variant.
Coding change: c.192C>G on transcript NM_006876.3 (MANE Select); coding-DNA position 192, C replaced by G.
Protein change: p.Arg64=; no amino-acid change (arginine 64 retained).
Molecular consequence: synonymous variant.
Genome position (GRCh38, 1-based): chr11:66,347,354, G>C on the plus strand (C>G on the coding strand, the complement: B4GAT1 is on the minus strand). VCF-style: chr11-66347354-G-C. GRCh37 (hg19) VCF-style: chr11-66114825-G-C.
Other names: c.192C>G (NM_006876.2).
Identifiers: ClinVar variation 1112822 (VCV001112822.11), dbSNP rs1172561316, ClinGen allele CA475489367.
Genomic context (GRCh38, chr11:66,347,354, plus strand): 5'-GCCCCTGTAGACGCGGTAATCGCCGCTAGCGTCCAGGACGCCTCCAGAGGCCAGCGCGGT[G>C]CGGAGCTGCGCCTTGACCTGGTCCACGGACCGTGGGGACGGGGGAAAGAACTCAAAATAT-3'
Protein context (NP_006867.1, residues 54-74): RSVDQVKAQL[Arg64=]TALASGGVLD

ClinVar aggregate classification (germline): Likely benign. Review status: criteria provided, single submitter (1 of 4 stars). 2 submissions from 2 submitters: Likely benign (1). 1 of the submissions does not count toward it. Last evaluated 2025-07-14.

Conditions:
Muscular dystrophy-dystroglycanopathy (congenital with brain and eye anomalies), type A13. Also called: WALKER-WARBURG SYNDROME OR MUSCLE-EYE-BRAIN DISEASE, B3GNT1-RELATED; Muscular dystrophy-dystroglycanopathy (congenital with brain and eye anomalies), type a, 13. Identifiers: Orphanet 899, MedGen C3809042, MONDO:0014120, OMIM 615287.
B4GAT1-related disorder. Also called: B4GAT1-related condition.

Allele frequency attached by ClinVar (database versions not stated): TOPMed below 0.00001; gnomAD exomes 0.00001.

Submissions (2):

Labcorp Genetics (formerly Invitae), Labcorp
Classification: Likely benign for Muscular dystrophy-dystroglycanopathy (congenital with brain and eye anomalies), type A13. Last evaluated: 2025-07-14. Review status: criteria provided, single submitter. Criteria: Invitae Variant Classification Sherloc (09022015). Collection method: clinical testing. Allele origin: germline.

PreventionGenetics, part of Exact Sciences
Classification: Likely benign for B4GAT1-related condition. Last evaluated: 2021-01-05. Review status: no assertion criteria provided. Collection method: clinical testing. Allele origin: germline. Not counted in ClinVar's aggregate classification.
Comment: This variant is classified as likely benign based on ACMG/AMP sequence variant interpretation guidelines (Richards et al. 2015 PMID: 25741868, with internal and published modifications).